The following is an entry in ClinVar:

NM_001048174.2(MUTYH):c.926G>C (p.Gly309Ala)

Gene: MUTYH (mutY DNA glycosylase; minus strand). Cytogenetic location: 1p34.1.
Variant type: single nucleotide variant.
Coding change: c.926G>C on transcript NM_001048174.2 (MANE Select); coding-DNA position 926, G replaced by C.
Protein change: p.Gly309Ala; replaces glycine 309 with alanine.
Molecular consequence: missense variant. On other transcripts: non-coding transcript variant (7).
Genome position (GRCh38, 1-based): chr1:45,331,837, C>G on the plus strand (G>C on the coding strand, the complement: MUTYH is on the minus strand). VCF-style: chr1-45331837-C-G. GRCh37 (hg19) VCF-style: chr1-45797509-C-G.
Other names: c.1010G>C, p.Gly337Ala (NM_001128425.2); c.971G>C, p.Gly324Ala (NM_001293190.2); c.959G>C, p.Gly320Ala (NM_001293191.2, NM_001407069.1, NM_001407077.1); c.650G>C, p.Gly217Ala (NM_001293192.2, NM_001293196.2, NM_001407091.1); c.926G>C, p.Gly309Ala (NM_001293195.2, NM_001407088.1, NM_001407089.1 and 6 more transcripts); c.581G>C, p.Gly194Ala (NM_001350650.2, NM_001350651.2, NM_001407082.1); c.968G>C, p.Gly323Ala (NM_001407083.1, NM_001407085.1); c.929G>C, p.Gly310Ala (NM_001407086.1, NM_001048172.2, NM_001407071.1 and 1 more transcripts); and 5 more; short protein forms G194A, G217A, G296A, G310A, G324A, G334A, G316A, G323A.
Identifiers: ClinVar variation 4112918 (VCV004112918.1).

ClinVar aggregate classification (germline): Uncertain significance (1 of 4 stars; one submission).

Conditions:
Hereditary cancer-predisposing syndrome. Also called: Tumor predisposition; Neoplastic Syndromes, Hereditary; Hereditary neoplastic syndrome; Hereditary Cancer Syndrome. Identifiers: Orphanet 140162, MedGen C0027672, MeSH D009386, MONDO:0015356.

Submission:

Ambry Genetics
Classification: Uncertain significance for Hereditary cancer-predisposing syndrome. Last evaluated: 2025-08-27. Review status: criteria provided, single submitter. Criteria: Ambry Variant Classification Scheme 2023. Collection method: clinical testing. Allele origin: germline.
Comment: The p.G337A variant (also known as c.1010G>C), located in coding exon 12 of the MUTYH gene, results from a G to C substitution at nucleotide position 1010. The glycine at codon 337 is replaced by alanine, an amino acid with similar properties. This amino acid position is conserved. In addition, this alteration is predicted to be tolerated by in silico analysis. Based on the available evidence, the clinical significance of this variant remains unclear.